The following is an entry in ClinVar:

NM_030957.4(ADAMTS10):c.2708G>T (p.Gly903Val)

Gene: ADAMTS10 (ADAM metallopeptidase with thrombospondin type 1 motif 10; minus strand). Cytogenetic location: 19p13.2.
Variant type: single nucleotide variant.
Coding change: c.2708G>T on transcript NM_030957.4 (MANE Select); coding-DNA position 2708, G replaced by T.
Protein change: p.Gly903Val; replaces glycine 903 with valine.
Molecular consequence: missense variant.
Genome position (GRCh38, 1-based): chr19:8,585,613, C>A on the plus strand (G>T on the coding strand, the complement: ADAMTS10 is on the minus strand). VCF-style: chr19-8585613-C-A. GRCh37 (hg19) VCF-style: chr19-8650497-C-A.
Other names: c.1169G>T, p.Gly390Val (NM_001282352.2); short protein forms G390V, G903V.
Identifiers: ClinVar variation 3391285 (VCV003391285.1).

ClinVar aggregate classification (germline): Uncertain significance (1 of 4 stars; one submission).

Conditions:
Weill-Marchesani syndrome 1 (WMS1). Also called: Weill-Marchesani Syndrome, Autosomal Recessive; Weill-Marchesani syndrome 1, recessive; ADAMTS10-Related Weill-Marchesani Syndrome. Identifiers: Orphanet 3449, MedGen C4552002, MONDO:0010194, OMIM 277600.

Submission:

Neuberg Centre For Genomic Medicine, NCGM
Classification: Uncertain significance for Weill-Marchesani syndrome 1. Review status: criteria provided, single submitter. Criteria: ACMG Guidelines, 2015. Collection method: clinical testing. Allele origin: germline. Inheritance: Autosomal recessive inheritance. Affected: yes.
Comment: The observed missense c.2708G>Tp.Gly903Val variant in ADAMTS10 gene has not been reported previously as a pathogenic variant nor a benign variant, to our knowledge. The p.Gly903Val variant is absent in gnomAD Exomes. This variant has not been submitted to the ClinVar database. Multiple lines of computational evidences SIFT - Damaging and MutationTaster - Disease causing predict a damaging effect on protein structure and function for this variant. The reference amino acid change at this position on ADAMTS10 gene is predicted as conserved by GERP++ and PhyloP across 100 vertebrates. The amino acid Gly at position 903 is changed to a Val changing protein sequence and it might alter its composition and physico-chemical properties. For these reasons, this variant has been classified as a Variant of Uncertain Significance VUS.